The following is an entry in ClinVar:

ClinVar aggregate classification (germline): Pathogenic (1 of 4 stars; one submission).

Conditions:
Joubert syndrome. Also called: CEREBELLOPARENCHYMAL DISORDER IV; JOUBERT-BOLTSHAUSER SYNDROME; Familial aplasia of the vermis. Identifiers: Orphanet 475, MedGen C5979921, MONDO:0018772.
Meckel-Gruber syndrome. Also called: DYSENCEPHALIA SPLANCHNOCYSTICA; GRUBER SYNDROME; Dysencephalia splachnocystica. Identifiers: Orphanet 564, MedGen C0265215, MONDO:0018921.
Nephronophthisis. Also called: Juvenile Nephronophthisis. Identifiers: Orphanet 655, MedGen C0687120, MONDO:0019005, HP:0000090.

Submission:

Labcorp Genetics (formerly Invitae), Labcorp
Classification: Pathogenic for Joubert syndrome; Meckel-Gruber syndrome; Nephronophthisis. Last evaluated: 2025-06-12. Review status: criteria provided, single submitter. Criteria: Invitae Variant Classification Sherloc (09022015). Collection method: clinical testing. Allele origin: germline.
Comment: This sequence change creates a premature translational stop signal (p.Tyr213Leufs*2) in the CEP290 gene. It is expected to result in an absent or disrupted protein product. Loss-of-function variants in CEP290 are known to be pathogenic (PMID: 16909394, 17345604, 20690115). This variant is not present in population databases (gnomAD no frequency). This premature translational stop signal has been observed in individual(s) with Leber congenital amaurosis (PMID: 36011402). ClinVar contains an entry for this variant (Variation ID: 2011316). For these reasons, this variant has been classified as Pathogenic.

Literature cited by the submitters: PubMed 16909394; PubMed 17345604; PubMed 20690115; PubMed 36011402.

NM_025114.4(CEP290):c.635_636insT (p.Tyr213fs)

Gene: CEP290 (centrosomal protein 290; minus strand). Cytogenetic location: 12q21.32.
Variant type: Insertion.
Coding change: c.635_636insT on transcript NM_025114.4 (MANE Select); coding-DNA positions 635 to 636, T inserted.
Protein change: p.Tyr213fs; shifts the reading frame from tyrosine 213.
Molecular consequence: frameshift variant.
Genome position: GRCh38 VCF-style: chr12-88130301-G-GA. GRCh37 (hg19) VCF-style: chr12-88524078-G-GA.
Other names: short protein forms Y213fs.
Identifiers: ClinVar variation 2011316 (VCV002011316.4), dbSNP rs2501497769, ClinGen allele CA2580086768.